The following is an entry in ClinVar:

NM_000350.3(ABCA4):c.1155C>T (p.Ile385=)

Gene: ABCA4 (ATP binding cassette subfamily A member 4; minus strand). Cytogenetic location: 1p22.1.
Variant type: single nucleotide variant.
Coding change: c.1155C>T on transcript NM_000350.3 (MANE Select); coding-DNA position 1155, C replaced by T.
Protein change: p.Ile385=; no amino-acid change (isoleucine 385 retained).
Molecular consequence: synonymous variant.
Genome position (GRCh38, 1-based): chr1:94,079,406, G>A on the plus strand (C>T on the coding strand, the complement: ABCA4 is on the minus strand). VCF-style: chr1-94079406-G-A. GRCh37 (hg19) VCF-style: chr1-94544962-G-A.
Other names: c.1155C>T, p.Ile385= (NM_001425324.1).
Identifiers: ClinVar variation 298264 (VCV000298264.22), dbSNP rs376624031, ClinGen allele CA958623.

ClinVar aggregate classification (germline): Conflicting classifications of pathogenicity. Review status: criteria provided, conflicting classifications (1 of 4 stars). 4 submissions from 4 submitters: Uncertain significance (1); Likely benign (2). 1 of the submissions does not count toward it. Last evaluated 2025-12-03.

Conditions:
ABCA4-related disorder. Also called: ABCA4-related disorders; ABCA4-related condition. Identifiers: MedGen CN239167.

Allele frequency attached by ClinVar (database versions not stated): gnomAD exomes 0.00008 and 0.00019; gnomAD 0.00011 and 0.00022; ExAC 0.00012; ESP Exome Variant Server 0.00015; 1000 Genomes Project 30x 0.00016; 1000 Genomes Project 0.00020; TOPMed 0.00031.
gnomAD v4.1: 298 of 1,614,138 alleles (0.018%); highest among the groups gnomAD compares: Non-Finnish European, 0.023%; no homozygotes.

Submissions (4):

Labcorp Genetics (formerly Invitae), Labcorp
Classification: Likely benign. Last evaluated: 2025-12-03. Review status: criteria provided, single submitter. Criteria: Invitae Variant Classification Sherloc (09022015). Collection method: clinical testing. Allele origin: germline.

Blueprint Genetics
Classification: Uncertain significance. Last evaluated: 2024-11-07. Review status: criteria provided, single submitter. Criteria: ACMG Guidelines, 2015. Collection method: clinical testing. Allele origin: germline.

GeneDx
Classification: Likely benign. Last evaluated: 2018-09-05. Review status: criteria provided, single submitter. Criteria: GeneDx Variant Classification Process June 2021. Collection method: clinical testing. Allele origin: germline. Affected: yes.

PreventionGenetics, part of Exact Sciences
Classification: Likely benign for ABCA4-related condition. Last evaluated: 2020-01-08. Review status: no assertion criteria provided. Collection method: clinical testing. Allele origin: germline. Not counted in ClinVar's aggregate classification.
Comment: This variant is classified as likely benign based on ACMG/AMP sequence variant interpretation guidelines (Richards et al. 2015 PMID: 25741868, with internal and published modifications).